The following is an entry in ClinVar:

ClinVar aggregate classification (germline): Uncertain significance (1 of 4 stars; one submission).

Submission:

Labcorp Genetics (formerly Invitae), Labcorp
Classification: Uncertain significance. Last evaluated: 2024-10-14. Review status: criteria provided, single submitter. Criteria: Invitae Variant Classification Sherloc (09022015). Collection method: clinical testing. Allele origin: germline.
Comment: This sequence change creates a premature translational stop signal (p.Cys148Argfs*59) in the CFD gene. While this is not anticipated to result in nonsense mediated decay, it is expected to disrupt the last 106 amino acid(s) of the CFD protein. This variant is not present in population databases (gnomAD no frequency). This variant has not been reported in the literature in individuals affected with CFD-related conditions. In summary, the available evidence is currently insufficient to determine the role of this variant in disease. Therefore, it has been classified as a Variant of Uncertain Significance.

NM_001928.4(CFD):c.441_442del (p.Cys148fs)

Gene: CFD (complement factor D; plus strand). Cytogenetic location: 19p13.3.
Variant type: Microsatellite.
Coding change: c.441_442del on transcript NM_001928.4 (MANE Select); coding-DNA positions 441 to 442, 2 bases deleted (CT; older notation c.441_442delCT).
Protein change: p.Cys148fs; shifts the reading frame from cysteine 148.
Molecular consequence: frameshift variant.
Genome position (GRCh38, 1-based): chr19:861,782-861,783, CT deleted; deleting any 2 consecutive bases within chr19:861,778-861,783 gives the same sequence; the c. name uses the placement nearest the transcript's 3' end. VCF-style (leftmost placement, unchanged base first): chr19-861777-ACT-A. GRCh37 (hg19) VCF-style: chr19-861777-ACT-A.
Other names: c.462_463del, p.Cys155fs (NM_001317335.2); short protein forms C148fs, C155fs.
Identifiers: ClinVar variation 3607721 (VCV003607721.2).
Genomic context (GRCh38, chr19:861,777, plus strand): 5'-CTGGGCCCTGCTGTGCGCCCCCTGCCCTGGCAGCGCGTGGACCGCGACGTGGCACCGGGA[ACT>A]CTCTGCGACGTGGCCGGCTGGGGCATAGTCAACCACGCGGGCCGCCGCCCGGACAGCCTG-3'